The following is an entry in ClinVar:

NM_004944.4(DNASE1L3):c.82G>A (p.Val28Ile)

Gene: DNASE1L3 (deoxyribonuclease 1L3; minus strand). Cytogenetic location: 3p14.3.
Variant type: single nucleotide variant.
Coding change: c.82G>A on transcript NM_004944.4 (MANE Select); coding-DNA position 82, G replaced by A.
Protein change: p.Val28Ile; replaces valine 28 with isoleucine.
Molecular consequence: missense variant.
Genome position (GRCh38, 1-based): chr3:58,210,825, C>T on the plus strand (G>A on the coding strand, the complement: DNASE1L3 is on the minus strand). VCF-style: chr3-58210825-C-T. GRCh37 (hg19) VCF-style: chr3-58196552-C-T.
Other names: c.82G>A, p.Val28Ile (NM_001256560.2); short protein forms V28I.
Identifiers: ClinVar variation 4849160 (VCV004849160.1).
Genomic context (GRCh38, chr3:58,210,825, plus strand): 5'-CCTTCACAATGACATCCATGGCATTCTTGTCTTCCTGCTTGCTTTCCCCAAAGGACCTGA[C>T]GTTGAAGGAGCAGATCCTCATGGCCAGGGCGCTGTGGATGGAGAGGAGGAGAAGCAGCAG-3'
Protein context (NP_004935.1, residues 18-38): ALAMRICSFN[Val28Ile]RSFGESKQED

ClinVar aggregate classification (germline): Uncertain significance (1 of 4 stars; one submission).

gnomAD v4.1: 44 of 1,614,008 alleles (0.0027%); highest among the groups gnomAD compares: Admixed American, 0.005%; no homozygotes.

Submission:

Women's Health and Genetics/Laboratory Corporation of America, LabCorp
Classification: Uncertain significance. Last evaluated: 2026-04-22. Review status: criteria provided, single submitter. Criteria: LabCorp Variant Classification Summary - May 2015. Collection method: clinical testing. Allele origin: germline.
Comment: Variant summary: DNASE1L3 c.82G>A (p.Val28Ile) results in a conservative amino acid change in the encoded protein sequence. Algorithms developed to predict the effect of missense changes on protein structure and function all suggest that this variant is likely to be tolerated. The variant allele was found at a frequency of 3.6e-05 in 251280 control chromosomes. The available data on variant occurrences in the general population are insufficient to allow any conclusion about variant significance. To our knowledge, no occurrence of c.82G>A in individuals affected with DNASE1L3-related conditions and no experimental evidence demonstrating its impact on protein function have been reported. No submitters have cited clinical-significance assessments for this variant to ClinVar. Based on the evidence outlined above, the variant was classified as uncertain significance.